The following is an entry in ClinVar:

ClinVar aggregate classification (germline): Pathogenic (1 of 4 stars; one submission).

Submission:

GeneDx
Classification: Pathogenic. Last evaluated: 2025-05-06. Review status: criteria provided, single submitter. Criteria: GeneDx Variant Classification Process June 2021. Collection method: clinical testing. Allele origin: germline.
Comment: Not observed at significant frequency in large population cohorts (gnomAD); In silico analysis supports that this missense variant has a deleterious effect on protein structure/function; This variant is associated with the following publications: (PMID: 27311832, 38553851)

NM_004380.3(CREBBP):c.5576T>C (p.Leu1859Pro)

Gene: CREBBP (CREB binding lysine acetyltransferase; minus strand). Cytogenetic location: 16p13.3.
Variant type: single nucleotide variant.
Coding change: c.5576T>C on transcript NM_004380.3 (MANE Select); coding-DNA position 5576, T replaced by C.
Protein change: p.Leu1859Pro; replaces leucine 1859 with proline.
Molecular consequence: missense variant.
Genome position (GRCh38, 1-based): chr16:3,729,471, A>G on the plus strand (T>C on the coding strand, the complement: CREBBP is on the minus strand). VCF-style: chr16-3729471-A-G. GRCh37 (hg19) VCF-style: chr16-3779472-A-G.
Other names: c.5462T>C, p.Leu1821Pro (NM_001079846.1); short protein forms L1821P, L1859P.
Identifiers: ClinVar variation 5016869 (VCV005016869.1).